The following is an entry in ClinVar:

ClinVar aggregate classification (germline): Uncertain significance (1 of 4 stars; one submission).

Submission:

Ambry Genetics
Classification: Uncertain significance. Last evaluated: 2023-01-05. Review status: criteria provided, single submitter. Criteria: Ambry Variant Classification Scheme 2023. Collection method: clinical testing. Allele origin: germline.
Comment: The p.Q118H variant (also known as c.354G>C), located in coding exon 3 of the BUB3 gene, results from a G to C substitution at nucleotide position 354. The glutamine at codon 118 is replaced by histidine, an amino acid with highly similar properties. This amino acid position is conserved. In addition, this alteration is predicted to be tolerated by in silico analysis. Since supporting evidence is limited at this time, the clinical significance of this alteration remains unclear.

NM_004725.4(BUB3):c.354G>C (p.Gln118His)

Gene: BUB3 (BUB3 mitotic checkpoint protein; plus strand). Cytogenetic location: 10q26.13.
Variant type: single nucleotide variant.
Coding change: c.354G>C on transcript NM_004725.4 (MANE Select); coding-DNA position 354, G replaced by C.
Protein change: p.Gln118His; replaces glutamine 118 with histidine.
Molecular consequence: missense variant.
Genome position (GRCh38, 1-based): chr10:123,157,817, G>C. VCF-style: chr10-123157817-G-C. GRCh37 (hg19) VCF-style: chr10-124917333-G-C.
Other names: c.354G>C, p.Gln118His (NM_001007793.3); short protein forms Q118H.
Identifiers: ClinVar variation 2496884 (VCV002496884.2), dbSNP rs2493759921, ClinGen allele CA378625527.